The following is an entry in ClinVar:

NM_000419.5(ITGA2B):c.1814C>T (p.Pro605Leu)

Gene: ITGA2B (integrin subunit alpha 2b; minus strand). Cytogenetic location: 17q21.31.
Variant type: single nucleotide variant.
Coding change: c.1814C>T on transcript NM_000419.5 (MANE Select); coding-DNA position 1814, C replaced by T.
Protein change: p.Pro605Leu; replaces proline 605 with leucine.
Molecular consequence: missense variant.
Genome position (GRCh38, 1-based): chr17:44,379,753, G>A on the plus strand (C>T on the coding strand, the complement: ITGA2B is on the minus strand). VCF-style: chr17-44379753-G-A. GRCh37 (hg19) VCF-style: chr17-42457121-G-A.
Other names: short protein forms P605L.
Identifiers: ClinVar variation 3356403 (VCV003356403.3).

ClinVar aggregate classification (germline): Uncertain significance. Review status: criteria provided, multiple submitters, no conflicts (2 of 4 stars). 3 submissions from 3 submitters: Uncertain significance (2). 1 of the submissions does not count toward it. Last evaluated 2024-06-26.

Conditions:
Platelet-type bleeding disorder 16 (BDPLT16). Also called: Bleeding disorder, platelet-type, 16, autosomal dominant. Identifiers: Orphanet 140957, MedGen C5442010, MONDO:0008552, OMIM 187800.
Glanzmann thrombasthenia 1 (GT1). Also called: BLEEDING DISORDER, PLATELET-TYPE, 2; GP IIb-IIIa COMPLEX DEFICIENCY; GLYCOPROTEIN COMPLEX IIb-IIIa DEFICIENCY; PLATELET FIBRINOGEN RECEPTOR DEFICIENCY. Identifiers: MedGen CN300358, MONDO:0031332, OMIM 273800.
Inborn genetic diseases. Identifiers: MedGen C0950123, MeSH D030342.
ITGA2B-related disorder. Also called: ITGA2B-related condition; ITGA2B-related disorders.

gnomAD v4.1: 27 of 1,613,926 alleles (0.0017%); highest among the groups gnomAD compares: South Asian, 0.0055%; 1 homozygote.

Submissions (3):

Ambry Genetics
Classification: Uncertain significance for Inborn genetic diseases. Last evaluated: 2024-06-26. Review status: criteria provided, single submitter. Criteria: Ambry Variant Classification Scheme 2023. Collection method: clinical testing. Allele origin: germline.

Department of Pathology and Laboratory Medicine, Sinai Health System
Classification: Uncertain significance for Platelet-type bleeding disorder 16; Glanzmann thrombasthenia 1. Last evaluated: 2023-05-19. Review status: criteria provided, single submitter. Criteria: ACMG Guidelines, 2015. Collection method: research. Allele origin: germline.

PreventionGenetics, part of Exact Sciences
Classification: Uncertain significance for ITGA2B-related condition. Last evaluated: 2024-08-16. Review status: no assertion criteria provided. Collection method: clinical testing. Allele origin: germline. Not counted in ClinVar's aggregate classification.
Comment: The ITGA2B c.1814C>T variant is predicted to result in the amino acid substitution p.Pro605Leu. To our knowledge, this variant has not been reported in the literature. This variant is reported in 0.011% of alleles in individuals of East Asian descent in gnomAD. At this time, the clinical significance of this variant is uncertain due to the absence of conclusive functional and genetic evidence.